The following is an entry in ClinVar:

ClinVar aggregate classification (germline): Uncertain significance (1 of 4 stars; one submission).

gnomAD v4.1: 2 of 1,614,224 alleles (0.00012%); highest among the groups gnomAD compares: Non-Finnish European, 0.00017%; no homozygotes.

Submission:

GeneDx
Classification: Uncertain significance. Last evaluated: 2025-01-06. Review status: criteria provided, single submitter. Criteria: GeneDx Variant Classification Process June 2021. Collection method: clinical testing. Allele origin: germline. Affected: yes.
Comment: Not observed at significant frequency in large population cohorts (gnomAD); In silico analysis supports that this missense variant has a deleterious effect on protein structure/function; Has not been previously published as pathogenic or benign to our knowledge

NM_000701.8(ATP1A1):c.2822G>A (p.Arg941Lys)

Genes: ATP1A1 (ATPase Na+/K+ transporting subunit alpha 1; plus strand), ATP1A1-AS1 (ATP1A1 antisense RNA 1; minus strand). Cytogenetic location: 1p13.1.
Variant type: single nucleotide variant.
Coding change: c.2822G>A on transcript NM_000701.8 (MANE Select); coding-DNA position 2822, G replaced by A.
Protein change: p.Arg941Lys; replaces arginine 941 with lysine.
Molecular consequence: missense variant.
Genome position (GRCh38, 1-based): chr1:116,401,233, G>A. VCF-style: chr1-116401233-G-A. GRCh37 (hg19) VCF-style: chr1-116943855-G-A.
Other names: c.2822G>A, p.Arg941Lys (NM_001160233.2); c.2729G>A, p.Arg910Lys (NM_001160234.2); short protein forms R910K, R941K.
Identifiers: ClinVar variation 4056975 (VCV004056975.1).